The following is an entry in ClinVar:

NM_020070.4(IGLL1):c.379del (p.Gln127fs)

Gene: IGLL1 (immunoglobulin lambda like polypeptide 1; minus strand). Cytogenetic location: 22q11.23.
Variant type: Deletion.
Coding change: c.379del on transcript NM_020070.4 (MANE Select); coding-DNA position 379, one base deleted (C; older notation c.379delC).
Protein change: p.Gln127fs; shifts the reading frame from glutamine 127.
Molecular consequence: frameshift variant. On other transcripts: 3 prime UTR variant (1).
Genome position (GRCh38, 1-based): chr22:23,573,529, G deleted on the plus strand (C on the coding strand, the reverse complement: IGLL1 is on the minus strand); the first of 2 consecutive G bases (chr22:23,573,529-23,573,530); deleting either gives the same sequence. VCF-style (leftmost placement, unchanged base first): chr22-23573528-TG-T. GRCh37 (hg19) VCF-style: chr22-23915715-TG-T.
Other names: c.382del, p.Gln128fs (NM_001369906.1); c.*8del (NM_152855.3); short protein forms Q128fs, Q127fs.
Identifiers: ClinVar variation 1406471 (VCV001406471.6), dbSNP rs1924897060, ClinGen allele CA2397855965.
Genomic context (GRCh38, chr22:23,573,528, plus strand): 5'-ACCGTCAAGATTCCCGGATAAAAGTCATTCATGAGACACACCAGTGTAGCCTTGTTGGCT[TG>T]GAGCTCCTCAGAGGACGGCGGGAACAGAGTGACCGAGGGGGTGGCCTTGGGCTGACCTGT-3'

ClinVar aggregate classification (germline): Uncertain significance (1 of 4 stars; one submission).

Conditions:
Agammaglobulinemia 2, autosomal recessive (AGM2). Also called: AGAMMAGLOBULINEMIA, AUTOSOMAL RECESSIVE, DUE TO IGLL1 DEFECT. Identifiers: MedGen C3150750, MONDO:0013287, OMIM 613500.

Submission:

Labcorp Genetics (formerly Invitae), Labcorp
Classification: Uncertain significance for Agammaglobulinemia 2, autosomal recessive. Last evaluated: 2022-06-03. Review status: criteria provided, single submitter. Criteria: Invitae Variant Classification Sherloc (09022015). Collection method: clinical testing. Allele origin: germline.
Comment: Experimental studies and prediction algorithms are not available or were not evaluated, and the functional significance of this variant is currently unknown. This sequence change creates a premature translational stop signal (p.Gln127Lysfs*11) in the IGLL1 gene. While this is not anticipated to result in nonsense mediated decay, it is expected to disrupt the last 87 amino acid(s) of the IGLL1 protein. This variant is not present in population databases (gnomAD no frequency). This variant has not been reported in the literature in individuals affected with IGLL1-related conditions. ClinVar contains an entry for this variant (Variation ID: 1406471). In summary, the available evidence is currently insufficient to determine the role of this variant in disease. Therefore, it has been classified as a Variant of Uncertain Significance.